The following is an entry in ClinVar:

ClinVar aggregate classification (germline): Conflicting classifications of pathogenicity. Review status: criteria provided, conflicting classifications (1 of 4 stars). 5 submissions from 5 submitters: Uncertain significance (2); Likely benign (1). 2 of the submissions do not count toward it. Last evaluated 2025-04-09.

Allele frequency attached by ClinVar (database versions not stated): gnomAD 0.00005 and 0.00006; ExAC 0.00010; TOPMed 0.00014; gnomAD exomes 0.00010 and 0.00002; 1000 Genomes Project 30x 0.00031; ESP Exome Variant Server 0.00008; 1000 Genomes Project 0.00040.
gnomAD v4.1: 43 of 1,608,788 alleles (0.0027%); highest among the groups gnomAD compares: East Asian, 0.06%; no homozygotes.

Submissions (5):

Molecular Diagnostic Laboratory for Inherited Cardiovascular Disease, Montreal Heart Institute
Classification: Likely benign. Last evaluated: 2025-04-09. Review status: criteria provided, single submitter. Criteria: ACMG Guidelines, 2015. Collection method: clinical testing. Allele origin: germline. Affected: no.

ARUP Laboratories, Molecular Genetics and Genomics, ARUP Laboratories
Classification: Uncertain significance. Last evaluated: 2019-12-15. Review status: criteria provided, single submitter. Criteria: ARUP Molecular Germline Variant Investigation Process. Collection method: clinical testing. Allele origin: germline.
Comment: The TTN c.19481T>G; p.Leu6494Arg variant (rs376857772; ClinVar Variation ID: 96269) is rare in the general population (<1% allele frequency in the Genome Aggregation Database) and has not been reported in the medical literature in association with dilated cardiomyopathy (DCM) or other TTN-related disease. The clinical relevance of rare missense variants in this gene, which are identified on average once per individual sequenced in affected populations (Herman 2012), is not well understood. Yet, evidence suggests that the vast majority of such missense variants do not contribute to the clinical outcome of DCM (Begay 2015). Thus, the clinical significance of the p.Leu6494Arg variant cannot be determined with certainty. References: Begay RL et al. Role of Titin Missense Variants in Dilated Cardiomyopathy. J Am Heart Assoc. 2015 Nov 13;4(11). Herman DS et al. Truncations of titin causing dilated cardiomyopathy. N Engl J Med. 2012 Feb 16;366(7):619-28.

Eurofins Ntd Llc (ga)
Classification: Uncertain significance. Last evaluated: 2013-09-26. Review status: criteria provided, single submitter. Criteria: EGL Classification Definitions 2015. Collection method: clinical testing. Allele origin: germline. Observed: 1 variant allele, 1 heterozygote.

Clinical Genetics, Academic Medical Center
Classification: Uncertain significance. Review status: no assertion criteria provided. Collection method: clinical testing. Allele origin: germline. Affected: yes. Study: VKGL Data-share Consensus. Not counted in ClinVar's aggregate classification.

Genome Diagnostics Laboratory, Amsterdam University Medical Center
Classification: Uncertain significance. Review status: no assertion criteria provided. Collection method: clinical testing. Allele origin: germline. Affected: yes. Study: VKGL Data-share Consensus. Not counted in ClinVar's aggregate classification.

NM_001267550.2(TTN):c.19481T>G (p.Leu6494Arg)

Gene: TTN (titin; minus strand). Cytogenetic location: 2q31.2.
Variant type: single nucleotide variant.
Coding change: c.19481T>G on transcript NM_001267550.2 (MANE Select); coding-DNA position 19481, T replaced by G.
Protein change: p.Leu6494Arg; replaces leucine 6494 with arginine.
Molecular consequence: missense variant. On other transcripts: intron variant (3).
Genome position (GRCh38, 1-based): chr2:178,728,343, A>C on the plus strand (T>G on the coding strand, the complement: TTN is on the minus strand). VCF-style: chr2-178728343-A-C. GRCh37 (hg19) VCF-style: chr2-179593070-A-C.
Other names: c.18530T>G, p.Leu6177Arg (NM_001256850.1); c.15749T>G, p.Leu5250Arg (NM_133378.4); c.13282+9739T>G (NM_003319.4); c.13858+9739T>G (NM_133437.4); c.13657+9739T>G (NM_133432.3); short protein forms L6494R, L6177R.
Identifiers: ClinVar variation 96269 (VCV000096269.16), dbSNP rs376857772, ClinGen allele CA223887.